The following is an entry in ClinVar:

ClinVar aggregate classification (germline): Likely pathogenic. Review status: criteria provided, multiple submitters, no conflicts (2 of 4 stars). 2 submissions from 2 submitters: Likely pathogenic (2). Last evaluated 2023-01-21.

Conditions:
Cataract 1 multiple types. Also called: CATARACT 1, MULTIPLE TYPES, WITH OR WITHOUT MICROCORNEA; CATARACT 1, NUCLEAR PROGRESSIVE; CATARACT 1 WITH MICROCORNEA; CATARACT 1, POSTERIOR SUBCAPSULAR, WITH MICROCORNEA; CATARACT 1, STELLATE NUCLEAR, WITH MICROCORNEA; CATARACT, DUFFY-LINKED. Identifiers: Orphanet 1377, MedGen C1861828, MONDO:0007285, OMIM 116200.

Submissions (2):

Dept. Genetics and Cancer, Menzies Institute for Medical Research, University of Tasmania
Classification: Likely pathogenic for Cataract 1 multiple types. Last evaluated: 2023-01-21. Review status: criteria provided, single submitter. Criteria: ACMG Guidelines, 2015. Collection method: curation. Allele origin: germline. Affected: yes.
Comment: Variant identified and curated during a GJA8 specific review of the literature in relation to pediatric or congenital cataract. ACMG-AMP criteria applied: PP1(Strong), PS4(Supporting), PM1(Supporting), PM2(Supporting), PM5(Supporting), PP3. Original variant report: PMID:16397066;18587493. The cataract phenotype/s reported for this variant are: Lamellar pulverulent, and Nuclear with feather-like sutural opacity and prominent riders. Gene review and curation guidelines are outlined in: DOI 10.1080/17469899.2023.2160320

SIB Swiss Institute of Bioinformatics
Classification: Likely pathogenic for Cataract 1 multiple types. Last evaluated: 2022-05-20. Review status: criteria provided, single submitter. Criteria: ACMG Guidelines, 2015. Collection method: curation. Allele origin: unknown.
Comment: This variant is interpreted as likely pathogenic for Cataract 1, multiple types, autosomal dominant. The following ACMG Tag(s) were applied: Absent from controls (or at extremely low frequency if recessive) in Exome Sequencing Project, 1000 Genomes Project, or Exome Aggregation Consortium (PM2); Cosegregation with disease in multiple affected family members in a gene definitively known to cause the disease (PP1); Multiple lines of computational evidence support a deleterious effect on the gene or gene product (PP3); Novel missense change at an amino acid residue where a different missense change determined to be pathogenic has been seen before (PM5); Located in a mutational hot spot and/or critical and well-established functional domain (PM1).

Literature cited by the submitters: PubMed 16397066 (cited by Dept. Genetics and Cancer, Menzies Institute for Medical Research, University of Tasmania and SIB Swiss Institute of Bioinformatics); PubMed 18587493 (cited by Dept. Genetics and Cancer, Menzies Institute for Medical Research, University of Tasmania and SIB Swiss Institute of Bioinformatics).

NM_005267.5(GJA8):c.263C>A (p.Pro88Gln)

Gene: GJA8 (gap junction protein alpha 8; plus strand). Cytogenetic location: 1q21.2.
Variant type: single nucleotide variant.
Coding change: c.263C>A on transcript NM_005267.5 (MANE Select); coding-DNA position 263, C replaced by A.
Protein change: p.Pro88Gln; replaces proline 88 with glutamine.
Molecular consequence: missense variant.
Genome position (GRCh38, 1-based): chr1:147,908,218, C>A. VCF-style: chr1-147908218-C-A. GRCh37 (hg19) VCF-style: chr1-147380345-C-A.
Other names: short protein forms P88Q.
Identifiers: ClinVar variation 1684591 (VCV001684591.2), dbSNP rs782199122, ClinGen allele CA342223741.